The following is an entry in ClinVar:

NM_001267550.2(TTN):c.104995C>G (p.Leu34999Val)

Genes: TTN (titin; minus strand), TTN-AS1 (TTN antisense RNA 1; plus strand). Cytogenetic location: 2q31.2.
Variant type: single nucleotide variant.
Coding change: c.104995C>G on transcript NM_001267550.2 (MANE Select); coding-DNA position 104995, C replaced by G.
Protein change: p.Leu34999Val; replaces leucine 34999 with valine.
Molecular consequence: missense variant.
Genome position (GRCh38, 1-based): chr2:178,531,620, G>C on the plus strand (C>G on the coding strand, the complement: TTN is on the minus strand). VCF-style: chr2-178531620-G-C. GRCh37 (hg19) VCF-style: chr2-179396347-G-C.
Other names: c.100072C>G, p.Leu33358Val (NM_001256850.1); c.77800C>G, p.Leu25934Val (NM_003319.4); c.97291C>G, p.Leu32431Val (NM_133378.4); c.78175C>G, p.Leu26059Val (NM_133432.3); c.78376C>G, p.Leu26126Val (NM_133437.4); short protein forms L25934V, L26059V, L26126V, L32431V, L33358V, L34999V.
Identifiers: ClinVar variation 1310555 (VCV001310555.3), dbSNP rs727503532, ClinGen allele CA349409717.

ClinVar aggregate classification (germline): Uncertain significance. Review status: criteria provided, multiple submitters, no conflicts (2 of 4 stars). 2 submissions from 2 submitters: Uncertain significance (2). Last evaluated 2026-08-11.

Conditions:
TTN-related disorder. Also called: TTN-related disorders; TTN-related condition; TTN-related disease.

gnomAD v4.1: 5 of 1,613,868 alleles (0.00031%); highest among the groups gnomAD compares: African/African-American, 0.0067%; no homozygotes.

Submissions (2):

PreventionGenetics, part of Exact Sciences
Classification: Uncertain significance for TTN-related condition. Last evaluated: 2026-08-11. Review status: criteria provided, single submitter. Criteria: ACMG Guidelines, 2015. Collection method: clinical testing. Allele origin: germline.
Comment: The TTN c.104995C>G variant is predicted to result in the amino acid substitution p.Leu34999Val. To our knowledge, this variant has not been reported in the literature. This variant is reported in 0.011% of alleles in individuals of African descent in gnomAD. At this time, the clinical significance of this variant is uncertain due to the absence of conclusive functional and genetic evidence.

GeneDx
Classification: Uncertain significance. Last evaluated: 2019-11-21. Review status: criteria provided, single submitter. Criteria: GeneDx Variant Classification Process June 2021. Collection method: clinical testing. Allele origin: germline. Affected: yes.
Comment: Not observed at a significant frequency in large population cohorts (Lek et al., 2016); Missense variant in a gene in which most reported pathogenic variants are truncating/loss-of-function; Has not been previously published as pathogenic or benign to our knowledge